The following is an entry in ClinVar:

NM_001365536.1(SCN9A):c.3480_3481delinsGC (p.Trp1161Arg)

Genes: SCN9A (sodium voltage-gated channel alpha subunit 9; minus strand), SCN1A-AS1 (SCN1A and SCN9A antisense RNA 1; plus strand). Cytogenetic location: 2q24.3.
Variant type: Indel.
Coding change: c.3480_3481delinsGC on transcript NM_001365536.1 (MANE Select); coding-DNA positions 3480 to 3481, AT replaced by GC.
Protein change: p.Trp1161Arg; replaces tryptophan 1161 with arginine.
Molecular consequence: missense variant.
Genome position (GRCh38, 1-based): chr2:166,242,648-166,242,649, AT replaced by GC on the plus strand (AT replaced by GC on the coding strand, the reverse complement: SCN9A is on the minus strand). VCF-style: chr2-166242648-AT-GC. GRCh37 (hg19) VCF-style: chr2-167099158-AT-GC.
Other names: c.3447_3448delinsGC, p.Trp1150Arg (NM_002977.4); short protein forms W1161R, W1150R.
Identifiers: ClinVar variation 4788673 (VCV004788673.1).
Genomic context (GRCh38, chr2:166,242,648, plus strand): 5'-TGTTCCACCAGATTTTTCCTTTCCCTGACTCTATGTTAACTTGGCAGCATGAGAACCTCC[AT>GC]ACACAACCTGACAAGAAAGACATGCATGTTAAATCTTGATATTCAGAATAAATAAAATTT-3'
Protein context (NP_001352465.1, residues 1151-1171): PEACFTDGCV[Trp1161Arg]RFSCCQVNIE

ClinVar aggregate classification (germline): Uncertain significance (1 of 4 stars; one submission).

Conditions:
Neuropathy, hereditary sensory and autonomic, type 2A (HSAN2A). Also called: ACROOSTEOLYSIS, GIACCAI TYPE; ACROOSTEOLYSIS, NEUROGENIC; MORVAN DISEASE; NEUROPATHY, CONGENITAL SENSORY; NEUROPATHY, HEREDITARY SENSORY RADICULAR, AUTOSOMAL RECESSIVE; NEUROPATHY, HEREDITARY SENSORY, TYPE IIA. Identifiers: Orphanet 970, MedGen C2752089, MONDO:0024309, OMIM 201300.
Generalized epilepsy with febrile seizures plus, type 7 (GEFSP7). Also called: GEFS+, TYPE 7. Identifiers: Orphanet 36387, MedGen C2751778, MONDO:0013470, OMIM 613863.

Submission:

Labcorp Genetics (formerly Invitae), Labcorp
Classification: Uncertain significance for Neuropathy, hereditary sensory and autonomic, type 2A; Generalized epilepsy with febrile seizures plus, type 7. Last evaluated: 2025-08-13. Review status: criteria provided, single submitter. Criteria: Invitae Variant Classification Sherloc (09022015). Collection method: clinical testing. Allele origin: germline.
Comment: This sequence change affects codon 1149 of the SCN9A mRNA. It is a 'silent' change, meaning that it does not change the encoded amino acid sequence of the SCN9A protein. Information on the frequency of this variant in the gnomAD database is not available, as this variant may be reported differently in the database. This variant has not been reported in the literature in individuals affected with SCN9A-related conditions. Experimental studies and prediction algorithms are not available or were not evaluated, and the effect of this variant on mRNA splicing is currently unknown. In summary, the available evidence is currently insufficient to determine the role of this variant in disease. Therefore, it has been classified as a Variant of Uncertain Significance.